The following is an entry in ClinVar:

ClinVar aggregate classification (germline): Uncertain significance. Review status: criteria provided, multiple submitters, no conflicts (2 of 4 stars). 3 submissions from 3 submitters: Uncertain significance (3). Last evaluated 2025-05-27.

Conditions:
Inborn genetic diseases. Identifiers: MedGen C0950123, MeSH D030342.
GLI3-related disorder. Also called: GLI3-related disorders; GLI3-related condition. Identifiers: MedGen CN239292.
Greig cephalopolysyndactyly syndrome (GCPS). Also called: Greig syndrome; GLI3-Related Greig Cephalopolysyndactyly Syndrome; POLYSYNDACTYLY WITH PECULIAR SKULL SHAPE. Identifiers: Orphanet 380, MedGen C0265306, MONDO:0008287, OMIM 175700.
Polysyndactyly 4. Also called: Polysyndactyly uncomplicated; Preaxial polydactyly 4. Identifiers: Orphanet 93338, MedGen C1868111, MONDO:0008272, OMIM 174700.
Polydactyly, postaxial, type A1. Identifiers: MedGen C4282400, MONDO:0008266, OMIM 174200.
Pallister-Hall syndrome (PHS). Also called: GLI3-Related Pallister-Hall Syndrome; HYPOTHALAMIC HAMARTOBLASTOMA, HYPOPITUITARISM, IMPERFORATE ANUS, AND POSTAXIAL POLYDACTYLY. Identifiers: Orphanet 672, MedGen C0265220, MONDO:0007804, OMIM 146510.

gnomAD v4.1: 6 of 1,613,926 alleles (0.00037%); highest among the groups gnomAD compares: Non-Finnish European, 0.00051%; no homozygotes.

Submissions (3):

PreventionGenetics, part of Exact Sciences
Classification: Uncertain significance for GLI3-related condition. Last evaluated: 2025-05-27. Review status: criteria provided, single submitter. Criteria: ACMG Guidelines, 2015. Collection method: clinical testing. Allele origin: germline.
Comment: The GLI3 c.2507T>A variant is predicted to result in the amino acid substitution p.Val836Glu. To our knowledge, this variant has not been reported in the literature. This variant is reported in 0.0018% of alleles in individuals of European (Non-Finnish) descent in gnomAD. At this time, the clinical significance of this variant is uncertain due to the absence of conclusive functional and genetic evidence.

Ambry Genetics
Classification: Uncertain significance for Inborn genetic diseases. Last evaluated: 2025-03-08. Review status: criteria provided, single submitter. Criteria: Ambry Variant Classification Scheme 2023. Collection method: clinical testing. Allele origin: germline.

Fulgent Genetics
Classification: Uncertain significance for Pallister-Hall syndrome; Polydactyly, postaxial, type A1; Polysyndactyly 4; Greig cephalopolysyndactyly syndrome. Last evaluated: 2024-06-09. Review status: criteria provided, single submitter. Criteria: ACMG Guidelines, 2015. Collection method: clinical testing. Allele origin: germline.

NM_000168.6(GLI3):c.2507T>A (p.Val836Glu)

Gene: GLI3 (GLI family zinc finger 3; minus strand). Cytogenetic location: 7p14.1.
Variant type: single nucleotide variant.
Coding change: c.2507T>A on transcript NM_000168.6 (MANE Select); coding-DNA position 2507, T replaced by A.
Protein change: p.Val836Glu; replaces valine 836 with glutamic acid.
Molecular consequence: missense variant.
Genome position (GRCh38, 1-based): chr7:41,966,566, A>T on the plus strand (T>A on the coding strand, the complement: GLI3 is on the minus strand). VCF-style: chr7-41966566-A-T. GRCh37 (hg19) VCF-style: chr7-42006164-A-T.
Other names: c.2507T>A (NM_000168.5); short protein forms V836E.
Identifiers: ClinVar variation 3594657 (VCV003594657.3).